The following is an entry in ClinVar:

NM_001385079.1(PDE10A):c.2570T>C (p.Met857Thr)

Gene: PDE10A (phosphodiesterase 10A; minus strand). Cytogenetic location: 6q27.
Variant type: single nucleotide variant.
Coding change: c.2570T>C on transcript NM_001385079.1 (MANE Select); coding-DNA position 2570, T replaced by C.
Protein change: p.Met857Thr; replaces methionine 857 with threonine.
Molecular consequence: missense variant.
Genome position (GRCh38, 1-based): chr6:165,388,338, A>G on the plus strand (T>C on the coding strand, the complement: PDE10A is on the minus strand). VCF-style: chr6-165388338-A-G. GRCh37 (hg19) VCF-style: chr6-165801827-A-G.
Other names: c.1772T>C, p.Met591Thr (NM_001130690.3); c.1742T>C, p.Met581Thr (NM_006661.4); short protein forms M581T, M591T, M857T.
Identifiers: ClinVar variation 1723772 (VCV001723772.3), dbSNP rs2533659086, ClinGen allele CA366393791.
Genomic context (GRCh38, chr6:165,388,338, plus strand): 5'-GACGGCGTGCAGTGACTCACCTGGAGGATGGACACAGTCTGGGAGAAGTGGTGCTGCTCC[A>G]TGGTGGAAGTGGAGTAGAGAGCGGCCAGAGGGTGGTCGAACTTCTGCAGGTAGCTGTTAC-3'
Protein context (NP_001372008.1, residues 847-867): PLAALYSTST[Met857Thr]EQHHFSQTVS

ClinVar aggregate classification (germline): Uncertain significance (1 of 4 stars; one submission).

Submission:

GeneDx
Classification: Uncertain significance. Last evaluated: 2026-09-25. Review status: criteria provided, single submitter. Criteria: GeneDx Variant Classification Process June 2021. Collection method: clinical testing. Allele origin: germline.
Comment: Not observed at significant frequency in large population cohorts (gnomAD); In silico analysis supports that this missense variant has a deleterious effect on protein structure/function; Has not been previously published as pathogenic or benign to our knowledge